The following is an entry in ClinVar:

ClinVar aggregate classification (germline): Pathogenic (1 of 4 stars; one submission).

Conditions:
Cerebral cavernous malformation (CCM). Also called: CAVERNOUS ANGIOMATOUS MALFORMATIONS; CEREBRAL CAPILLARY MALFORMATIONS; Cerebral cavernous malformations; Cerebral cavernous hemangioma (type); CAVERNOUS ANGIOMA, FAMILIAL; Cavernous Hemangioma of Brain. Identifiers: Orphanet 221061, MedGen C2919945, MONDO:0000820, OMIM 116860, HP:0033522.

Submission:

Labcorp Genetics (formerly Invitae), Labcorp
Classification: Pathogenic for Cerebral cavernous malformation. Last evaluated: 2024-03-01. Review status: criteria provided, single submitter. Criteria: Invitae Variant Classification Sherloc (09022015). Collection method: clinical testing. Allele origin: germline.
Comment: This sequence change creates a premature translational stop signal (p.Gln387*) in the KRIT1 gene. It is expected to result in an absent or disrupted protein product. Loss-of-function variants in KRIT1 are known to be pathogenic (PMID: 10508515, 11222804, 12404106, 24689081). This variant is not present in population databases (gnomAD no frequency). This variant has not been reported in the literature in individuals affected with KRIT1-related conditions. ClinVar contains an entry for this variant (Variation ID: 1452341). For these reasons, this variant has been classified as Pathogenic.

Literature cited by the submitters: PubMed 10508515; PubMed 11222804; PubMed 12404106; PubMed 24689081.

NM_194454.3(KRIT1):c.1159C>T (p.Gln387Ter)

Gene: KRIT1 (KRIT1 ankyrin repeat containing; minus strand). Cytogenetic location: 7q21.2.
Variant type: single nucleotide variant.
Coding change: c.1159C>T on transcript NM_194454.3 (MANE Select); coding-DNA position 1159, C replaced by T.
Protein change: p.Gln387Ter; replaces glutamine 387 with a stop codon.
Molecular consequence: nonsense.
Genome position (GRCh38, 1-based): chr7:92,225,815, G>A on the plus strand (C>T on the coding strand, the complement: KRIT1 is on the minus strand). VCF-style: chr7-92225815-G-A. GRCh37 (hg19) VCF-style: chr7-91855129-G-A.
Other names: c.1015C>T, p.Gln339Ter (NM_001013406.2, NM_001350669.1, NM_001350670.1); c.445C>T, p.Gln149Ter (NM_001350671.1); c.1159C>T, p.Gln387Ter (NM_001350672.1, NM_001350673.1, NM_001350674.1 and 26 more transcripts); short protein forms Q149*, Q339*, Q387*.
Identifiers: ClinVar variation 1452341 (VCV001452341.6), dbSNP rs2131511667, ClinGen allele CA368151229.